The following is an entry in ClinVar:

ClinVar aggregate classification (germline): Benign/Likely benign. Review status: criteria provided, multiple submitters, no conflicts (2 of 4 stars). 5 submissions from 5 submitters: Benign (1); Likely benign (4). Last evaluated 2026-06-01.

Conditions:
Autosomal dominant nonsyndromic hearing loss 17. Also called: Autosomal dominant nonsyndromic deafness 17; Deafness, autosomal dominant 17. Identifiers: Orphanet 90635, MedGen C1863659, MONDO:0011350, OMIM 603622.
Macrothrombocytopenia and granulocyte inclusions with or without nephritis or sensorineural hearing loss (MATINS). Also called: MYH9-Related Disease (MYH9-RD); BLEEDING DISORDER, PLATELET-TYPE, 6; SEBASTIAN PLATELET SYNDROME; MACROTHROMBOCYTOPENIA WITH DISPERSED LEUKOCYTIC INCLUSIONS; MACROTHROMBOCYTOPENIA, NEPHRITIS, AND DEAFNESS; MACROTHROMBOCYTOPENIA, NEPHRITIS, DEAFNESS, AND LEUKOCYTE INCLUSIONS. Identifiers: Orphanet 182050, MedGen C5200934, MONDO:0015912, OMIM 155100.

Allele frequency attached by ClinVar (database versions not stated): ESP Exome Variant Server 0.00015; TOPMed 0.00023; gnomAD 0.00027 and 0.00029; 1000 Genomes Project 30x 0.00078; 1000 Genomes Project 0.00080.
gnomAD v4.1: 94 of 1,613,986 alleles (0.0058%); highest among the groups gnomAD compares: African/African-American, 0.11%; 1 homozygote.

Submissions (5):

CeGaT Center for Human Genetics Tuebingen
Classification: Likely benign. Last evaluated: 2026-06-01. Review status: criteria provided, single submitter. Criteria: CeGaT Center For Human Genetics Tuebingen Variant Classification Criteria Version 2. Collection method: clinical testing. Allele origin: germline. Affected: yes. Observed: 1 variant allele.
Comment: MYH9: BP4, BP7

Labcorp Genetics (formerly Invitae), Labcorp
Classification: Benign. Last evaluated: 2026-01-26. Review status: criteria provided, single submitter. Criteria: Invitae Variant Classification Sherloc (09022015). Collection method: clinical testing. Allele origin: germline.

Blueprint Genetics
Classification: Likely benign. Last evaluated: 2023-07-17. Review status: criteria provided, single submitter. Criteria: ACMG Guidelines, 2015. Collection method: clinical testing. Allele origin: germline.

Fulgent Genetics
Classification: Likely benign for Macrothrombocytopenia and granulocyte inclusions with or without nephritis or sensorineural hearing loss; Autosomal dominant nonsyndromic hearing loss 17. Last evaluated: 2022-05-04. Review status: criteria provided, single submitter. Criteria: ACMG Guidelines, 2015. Collection method: clinical testing. Allele origin: unknown.

GeneDx
Classification: Likely benign. Last evaluated: 2018-03-23. Review status: criteria provided, single submitter. Criteria: GeneDx Variant Classification (06012015). Collection method: clinical testing. Allele origin: germline. Affected: yes.
Comment: This variant is considered likely benign or benign based on one or more of the following criteria: it is a conservative change, it occurs at a poorly conserved position in the protein, it is predicted to be benign by multiple in silico algorithms, and/or has population frequency not consistent with disease.

NM_002473.6(MYH9):c.3195C>A (p.Ala1065=)

Gene: MYH9 (myosin heavy chain 9; minus strand). Cytogenetic location: 22q12.3.
Variant type: single nucleotide variant.
Coding change: c.3195C>A on transcript NM_002473.6 (MANE Select); coding-DNA position 3195, C replaced by A.
Protein change: p.Ala1065=; no amino-acid change (alanine 1065 retained).
Molecular consequence: synonymous variant.
Genome position (GRCh38, 1-based): chr22:36,296,920, G>T on the plus strand (C>A on the coding strand, the complement: MYH9 is on the minus strand). VCF-style: chr22-36296920-G-T. GRCh37 (hg19) VCF-style: chr22-36692966-G-T.
Identifiers: ClinVar variation 680871 (VCV000680871.10), dbSNP rs148781875, ClinGen allele CA10209730.